The following is an entry in ClinVar:

NM_001009944.3(PKD1):c.6086del (p.Thr2029fs)

Gene: PKD1 (polycystin 1, transient receptor potential channel interacting; minus strand). Cytogenetic location: 16p13.3.
Variant type: Deletion.
Coding change: c.6086del on transcript NM_001009944.3 (MANE Select); coding-DNA position 6086, one base deleted (C; older notation c.6086delC).
Protein change: p.Thr2029fs; shifts the reading frame from threonine 2029.
Molecular consequence: frameshift variant.
Genome position (GRCh38, 1-based): chr16:2,109,081, G deleted on the plus strand (C on the coding strand, the reverse complement: PKD1 is on the minus strand). VCF-style (leftmost placement, unchanged base first): chr16-2109080-CG-C. GRCh37 (hg19) VCF-style: chr16-2159081-CG-C.
Other names: c.6086del, p.Thr2029fs (NM_000296.4); short protein forms T2029fs.
Identifiers: ClinVar variation 3900708 (VCV003900708.1).

ClinVar aggregate classification (germline): Pathogenic (1 of 4 stars; one submission).

Conditions:
Polycystic kidney disease, adult type (PKD1). Also called: Polycystic Kidney Disease 1, Autosomal Dominant; Polycystic kidney disease 1; Polycystic kidney disease 1, severe; Polycystic Kidney, Autosomal Dominant; POLYCYSTIC KIDNEY DISEASE 1 WITH OR WITHOUT POLYCYSTIC LIVER DISEASE; POLYCYSTIC KIDNEY DISEASE, ADULT, TYPE I. Identifiers: MedGen C3149841, MONDO:0008263, OMIM 173900.

Submission:

MVZ Medizinische Genetik Mainz
Classification: Pathogenic for Polycystic kidney disease, adult type. Last evaluated: 2025-04-23. Review status: criteria provided, single submitter. Criteria: UK Practice Guidelines For Variant Classification V4 01 2020. Collection method: clinical testing. Allele origin: germline. Inheritance: Autosomal dominant inheritance. Affected: yes. Observed: 1 variant allele.
Comment: ACMG Criteria: PVS1,PM2_SUP,PP4